The following is an entry in ClinVar:

ClinVar aggregate classification (germline): Uncertain significance (1 of 4 stars; one submission).

Conditions:
Developmental and epileptic encephalopathy, 69. Also called: EPILEPTIC ENCEPHALOPATHY, EARLY INFANTILE, 69. Identifiers: MedGen C4748988, MONDO:0032657, OMIM 618285.

Submission:

3billion
Classification: Uncertain significance for Developmental and epileptic encephalopathy, 69. Last evaluated: 2024-06-13. Review status: criteria provided, single submitter. Criteria: ACMG Guidelines, 2015. Collection method: clinical testing. Allele origin: germline. Affected: yes.
Comment: The variant is not observed in the gnomAD v4.0.0 dataset. Predicted Consequence/Location: Missense variant In silico tool predictions suggest damaging effect of the variant on gene or gene product [REVEL: 0.72 (>=0.6, sensitivity 0.68 and specificity 0.92); 3Cnet: 0.11 (>=0.6, sensitivity 0.72 and precision 0.9)]. Therefore, this variant is classified as VUS according to the recommendation of ACMG/AMP guideline.

NM_001205293.3(CACNA1E):c.6377G>C (p.Arg2126Thr)

Gene: CACNA1E (calcium voltage-gated channel subunit alpha1 E; plus strand). Cytogenetic location: 1q25.3.
Variant type: single nucleotide variant.
Coding change: c.6377G>C on transcript NM_001205293.3 (MANE Select); coding-DNA position 6377, G replaced by C.
Protein change: p.Arg2126Thr; replaces arginine 2126 with threonine.
Molecular consequence: missense variant.
Genome position (GRCh38, 1-based): chr1:181,796,836, G>C. VCF-style: chr1-181796836-G-C. GRCh37 (hg19) VCF-style: chr1-181765972-G-C.
Other names: c.6248G>C, p.Arg2083Thr (NM_000721.4); c.6191G>C, p.Arg2064Thr (NM_001205294.2); short protein forms R2064T, R2083T, R2126T.
Identifiers: ClinVar variation 4292010 (VCV004292010.1).